The following is an entry in ClinVar:

ClinVar aggregate classification (germline): Uncertain significance (1 of 4 stars; one submission).

Conditions:
Inborn genetic diseases. Identifiers: MedGen C0950123, MeSH D030342.

Submission:

Ambry Genetics
Classification: Uncertain significance for Inborn genetic diseases. Last evaluated: 2024-12-22. Review status: criteria provided, single submitter. Criteria: Ambry Variant Classification Scheme 2023. Collection method: clinical testing. Allele origin: germline.
Comment: The p.Q864P variant (also known as c.2591A>C), located in coding exon 23 of the ANKRD26 gene, results from an A to C substitution at nucleotide position 2591. The glutamine at codon 864 is replaced by proline, an amino acid with similar properties. This amino acid position is conserved. In addition, this alteration is predicted to be tolerated by in silico analysis. Based on the available evidence, the clinical significance of this variant remains unclear.

NM_014915.3(ANKRD26):c.2591A>C (p.Gln864Pro)

Gene: ANKRD26 (ankyrin repeat domain containing 26; minus strand). Cytogenetic location: 10p12.1.
Variant type: single nucleotide variant.
Coding change: c.2591A>C on transcript NM_014915.3 (MANE Select); coding-DNA position 2591, A replaced by C.
Protein change: p.Gln864Pro; replaces glutamine 864 with proline.
Molecular consequence: missense variant.
Genome position (GRCh38, 1-based): chr10:27,037,292, T>G on the plus strand (A>C on the coding strand, the complement: ANKRD26 is on the minus strand). VCF-style: chr10-27037292-T-G. GRCh37 (hg19) VCF-style: chr10-27326221-T-G.
Other names: c.2588A>C, p.Gln863Pro (NM_001256053.2); short protein forms Q863P, Q864P.
Identifiers: ClinVar variation 3869655 (VCV003869655.1).